The following is an entry in ClinVar:

ClinVar aggregate classification (germline): Uncertain significance (1 of 4 stars; one submission).

Allele frequency attached by ClinVar (database versions not stated): gnomAD 0.00001; TOPMed 0.00003.
gnomAD v4.1: 4 of 1,613,820 alleles (0.00025%); highest among the groups gnomAD compares: African/African-American, 0.0027%; no homozygotes.

Submission:

Ambry Genetics
Classification: Uncertain significance. Last evaluated: 2023-09-21. Review status: criteria provided, single submitter. Criteria: Ambry Variant Classification Scheme 2023. Collection method: clinical testing. Allele origin: germline.
Comment: The p.S27P variant (also known as c.79T>C), located in coding exon 1 of the MNDA gene, results from a T to C substitution at nucleotide position 79. The serine at codon 27 is replaced by proline, an amino acid with similar properties. This amino acid position is conserved. In addition, this alteration is predicted to be tolerated by in silico analysis. Since supporting evidence is limited at this time, the clinical significance of this alteration remains unclear.

NM_002432.3(MNDA):c.79T>C (p.Ser27Pro)

Gene: MNDA (myeloid cell nuclear differentiation antigen; plus strand). Cytogenetic location: 1q23.1.
Variant type: single nucleotide variant.
Coding change: c.79T>C on transcript NM_002432.3 (MANE Select); coding-DNA position 79, T replaced by C.
Protein change: p.Ser27Pro; replaces serine 27 with proline.
Molecular consequence: missense variant.
Genome position (GRCh38, 1-based): chr1:158,842,232, T>C. VCF-style: chr1-158842232-T-C. GRCh37 (hg19) VCF-style: chr1-158812022-T-C.
Other names: short protein forms S27P.
Identifiers: ClinVar variation 1761582 (VCV001761582.2), dbSNP rs1010850436, ClinGen allele CA31302755.
Genomic context (GRCh38, chr1:158,842,232, plus strand): 5'-AAAATTCTTTTGCTGAAAGGATTTGAGCTCATGGATGATTATCATTTTACATCAATTAAG[T>C]CCTTACTGGCCTATGATTTAGGACTAACTACAAAAATGCAAGAGGAATACAACAGAATTA-3'
Protein context (NP_002423.1, residues 17-37): MDDYHFTSIK[Ser27Pro]LLAYDLGLTT